The following is an entry in ClinVar:

NM_001146312.3(MYOCD):c.572del (p.Gly191fs)

Gene: MYOCD (myocardin; plus strand). Cytogenetic location: 17p12.
Variant type: Deletion.
Coding change: c.572del on transcript NM_001146312.3 (MANE Select); coding-DNA position 572, one base deleted (G; older notation c.572delG).
Protein change: p.Gly191fs; shifts the reading frame from glycine 191.
Molecular consequence: frameshift variant.
Genome position (GRCh38, 1-based): chr17:12,736,317, G deleted; the last of 2 consecutive G bases (chr17:12,736,316-12,736,317); deleting either gives the same sequence. VCF-style (leftmost placement, unchanged base first): chr17-12736315-AG-A. GRCh37 (hg19) VCF-style: chr17-12639632-AG-A.
Other names: c.335del, p.Gly112fs (NM_001378306.1); c.572del, p.Gly191fs (NM_153604.4); short protein forms G112fs, G191fs.
Identifiers: ClinVar variation 4850870 (VCV004850870.1).
Genomic context (GRCh38, chr17:12,736,315, plus strand): 5'-AGACCCCCAAAACTCAGCGGGATCCCCGCCAGACGCTAAAGCCTCAGATACCCCTTCGAC[AG>A]GTTCTCTGGGGACAAACCAGGTAAAAAACAAAACAAACAAACGAAAAAAGTAAAACAGCA-3'

ClinVar aggregate classification (germline): Pathogenic (1 of 4 stars; one submission).

Conditions:
Megabladder, congenital. Identifiers: MedGen C5231472, MONDO:0032879, OMIM 618719.

Submission:

Department of Medical Genetics, International Peace Maternity and Child Health Hospital, Shanghai Jiao Tong University School of Medicine
Classification: Pathogenic for Megabladder, congenital. Last evaluated: 2026-05-01. Review status: criteria provided, single submitter. Criteria: ACMG Guidelines, 2015. Collection method: research. Allele origin: germline. Affected: yes.
Comment: This sequence change causes a frameshift and creates a premature translational stop signal p.(Gly191ValfsTer42) in the MYOCD gene. This alteration is expected to result in loss of function by premature protein truncation or nonsense-mediated mRNA decay. Loss-of-function variants in MYOCD are known to be pathogenic (PMID: 31513549) (PVS1). This variant was not reported in population-based cohorts in the Genome Aggregation Database (gnomAD) (PM2_Sup). For these reasons, this variant has been classified as Pathogenic.

Literature cited by the submitters: PubMed 31513549.